The following is an entry in ClinVar:

NM_182914.3(SYNE2):c.16513C>T (p.Arg5505Trp)

Gene: SYNE2 (spectrin repeat containing nuclear envelope protein 2; plus strand). Cytogenetic location: 14q23.2.
Variant type: single nucleotide variant.
Coding change: c.16513C>T on transcript NM_182914.3 (MANE Select); coding-DNA position 16513, C replaced by T.
Protein change: p.Arg5505Trp; replaces arginine 5505 with tryptophan.
Molecular consequence: missense variant.
Genome position (GRCh38, 1-based): chr14:64,165,318, C>T. VCF-style: chr14-64165318-C-T. GRCh37 (hg19) VCF-style: chr14-64632036-C-T.
Other names: c.16513C>T, p.Arg5505Trp (NM_015180.6); short protein forms R5505W.
Identifiers: ClinVar variation 1513441 (VCV001513441.6), dbSNP rs767970692, ClinGen allele CA7223401.

ClinVar aggregate classification (germline): Uncertain significance (1 of 4 stars; one submission).

Conditions:
Emery-Dreifuss muscular dystrophy 5, autosomal dominant (EDMD5). Also called: EMERY-DREIFUSS MUSCULAR DYSTROPHY 5. Identifiers: Orphanet 261, MedGen C2751805, MONDO:0013072, OMIM 612999.

Allele frequency attached by ClinVar (database versions not stated): gnomAD exomes 0.00001; ExAC 0.00002; TOPMed 0.00003.
gnomAD v4.1: 16 of 1,613,610 alleles (0.00099%); highest among the groups gnomAD compares: South Asian, 0.0033%; no homozygotes.

Submission:

Labcorp Genetics (formerly Invitae), Labcorp
Classification: Uncertain significance for Emery-Dreifuss muscular dystrophy 5, autosomal dominant. Last evaluated: 2024-03-15. Review status: criteria provided, single submitter. Criteria: Invitae Variant Classification Sherloc (09022015). Collection method: clinical testing. Allele origin: germline.
Comment: This sequence change replaces arginine, which is basic and polar, with tryptophan, which is neutral and slightly polar, at codon 5505 of the SYNE2 protein (p.Arg5505Trp). This variant is present in population databases (rs767970692, gnomAD 0.007%). This variant has not been reported in the literature in individuals affected with SYNE2-related conditions. ClinVar contains an entry for this variant (Variation ID: 1513441). An algorithm developed to predict the effect of missense changes on protein structure and function (PolyPhen-2) suggests that this variant is likely to be disruptive. In summary, the available evidence is currently insufficient to determine the role of this variant in disease. Therefore, it has been classified as a Variant of Uncertain Significance.